The following is an entry in ClinVar:

NM_015662.3(IFT172):c.1171G>C (p.Ala391Pro)

Gene: IFT172 (intraflagellar transport 172; minus strand). Cytogenetic location: 2p23.3.
Variant type: single nucleotide variant.
Coding change: c.1171G>C on transcript NM_015662.3 (MANE Select); coding-DNA position 1171, G replaced by C.
Protein change: p.Ala391Pro; replaces alanine 391 with proline.
Molecular consequence: missense variant.
Genome position (GRCh38, 1-based): chr2:27,477,609, C>G on the plus strand (G>C on the coding strand, the complement: IFT172 is on the minus strand). VCF-style: chr2-27477609-C-G. GRCh37 (hg19) VCF-style: chr2-27700476-C-G.
Other names: c.1171G>C, p.Ala391Pro (NM_001410739.1); short protein forms A391P.
Identifiers: ClinVar variation 1718470 (VCV001718470.5), dbSNP rs2465987206, ClinGen allele CA346394674.

ClinVar aggregate classification (germline): Uncertain significance (1 of 4 stars; one submission).

Conditions:
Short-rib thoracic dysplasia 10 with or without polydactyly (SRTD10). Identifiers: Orphanet 474, MedGen C3810175, MONDO:0014284, OMIM 615630.
Retinitis pigmentosa 71 (RP71). Identifiers: Orphanet 791, MedGen C4225342, MONDO:0014618, OMIM 616394.

Submission:

Labcorp Genetics (formerly Invitae), Labcorp
Classification: Uncertain significance for Retinitis pigmentosa 71; Short-rib thoracic dysplasia 10 with or without polydactyly. Last evaluated: 2022-11-21. Review status: criteria provided, single submitter. Criteria: Invitae Variant Classification Sherloc (09022015). Collection method: clinical testing. Allele origin: germline.
Comment: This variant is not present in population databases (gnomAD no frequency). This sequence change replaces alanine, which is neutral and non-polar, with proline, which is neutral and non-polar, at codon 391 of the IFT172 protein (p.Ala391Pro). This variant has not been reported in the literature in individuals affected with IFT172-related conditions. In summary, the available evidence is currently insufficient to determine the role of this variant in disease. Therefore, it has been classified as a Variant of Uncertain Significance. Algorithms developed to predict the effect of sequence changes on RNA splicing suggest that this variant may disrupt the consensus splice site. Advanced modeling of protein sequence and biophysical properties (such as structural, functional, and spatial information, amino acid conservation, physicochemical variation, residue mobility, and thermodynamic stability) performed at Invitae indicates that this missense variant is not expected to disrupt IFT172 protein function.